The following is an entry in ClinVar:

NM_000352.6(ABCC8):c.3454del (p.Ala1152fs)

Gene: ABCC8 (ATP binding cassette subfamily C member 8; minus strand). Cytogenetic location: 11p15.1.
Variant type: Deletion.
Coding change: c.3454del on transcript NM_000352.6 (MANE Select); coding-DNA position 3454, one base deleted (G; older notation c.3454delG).
Protein change: p.Ala1152fs; shifts the reading frame from alanine 1152.
Molecular consequence: frameshift variant. On other transcripts: non-coding transcript variant (1).
Genome position (GRCh38, 1-based): chr11:17,404,615, C deleted on the plus strand (G on the coding strand, the reverse complement: ABCC8 is on the minus strand). VCF-style (leftmost placement, unchanged base first): chr11-17404614-GC-G. GRCh37 (hg19) VCF-style: chr11-17426161-GC-G.
Other names: c.3457del, p.Ala1153fs (NM_001287174.3); c.3520del, p.Ala1174fs (NM_001351295.2); c.3454del, p.Ala1152fs (NM_001351296.2); c.3451del, p.Ala1151fs (NM_001351297.2); short protein forms A1151fs, A1152fs, A1153fs, A1174fs.
Identifiers: ClinVar variation 1725995 (VCV001725995.2), dbSNP rs2496513303, ClinGen allele CA2580082805.
Genomic context (GRCh38, chr11:17,404,614, plus strand): 5'-ATGGCCAGGGGCAAGAGGGCCACGAGGAACACAGGTGTGACATAGGAGATGACGGCCAGG[GC>G]TGAGACACAGAGCAGGGTGGAGCGGCTCAGGCACTCCAGCGTGGATGGGATGTGCTGAGG-3'

ClinVar aggregate classification (germline): Likely pathogenic (1 of 4 stars; one submission).

Conditions:
Hyperinsulinemic hypoglycemia, familial, 1 (HHF1). Also called: Persistent hyperinsulinemic hypoglycemia of infancy; HYPERINSULINISM, FAMILIAL, WITH PANCREATIC NESIDIOBLASTOSIS; HYPOGLYCEMIA, HYPERINSULINEMIC, OF INFANCY; NESIDIOBLASTOSIS OF PANCREAS; Persistent Hyperinsulinemia Hypoglycemia of Infancy. Identifiers: Orphanet 276575, Orphanet 276598, MedGen C2931832, MONDO:0009734, OMIM 256450.

Submission:

Myriad Genetics, Inc.
Classification: Likely pathogenic for Hyperinsulinemic hypoglycemia, familial, 1. Last evaluated: 2022-05-01. Review status: criteria provided, single submitter. Criteria: Myriad Women's Health Autosomal Recessive and X-Linked Classification Criteria (2021). Collection method: clinical testing. Allele origin: unknown.
Comment: NM_000352.3(ABCC8):c.3454delG(A1152Pfs*56) is expected to be pathogenic in the context of familial hyperinsulinism, ABCC8-related. This variant is predicted to lead to an abnormal or absent protein product due to the creation of a premature termination codon in ABCC8, a gene where loss-of-function variants are known to be pathogenic. Please note: this variant was assessed in the context of healthy population screening.